The following is an entry in ClinVar:

ClinVar aggregate classification (germline): Conflicting classifications of pathogenicity. Review status: criteria provided, conflicting classifications (1 of 4 stars). 4 submissions from 4 submitters: Likely pathogenic (2); Uncertain significance (2). Last evaluated 2026-01-22.

Conditions:
Familial cancer of breast. Also called: Hereditary breast cancer; hereditary breast carcinoma; BREAST CANCER, FAMILIAL. Identifiers: Orphanet 227535, MedGen C0346153, MONDO:0016419, OMIM 114480. Disease mechanism: loss of function.
Hereditary cancer-predisposing syndrome. Also called: Tumor predisposition; Hereditary Cancer Syndrome; Hereditary neoplastic syndrome; Neoplastic Syndromes, Hereditary. Identifiers: Orphanet 140162, MedGen C0027672, MeSH D009386, MONDO:0015356.
Hereditary breast ovarian cancer syndrome. Also called: Breast and ovarian cancer; Hereditary breast and/or ovarian cancer syndrome; BRCA1- and BRCA2-Associated Hereditary Breast and Ovarian Cancer; Hereditary breast and ovarian cancer; Hereditary breast and ovarian cancer syndrome (HBOC); Hereditary breast and ovarian cancer syndrome. Identifiers: Orphanet 145, MedGen C0677776, MeSH D061325, MONDO:0003582. Disease mechanism: loss of function.

Submissions (4):

Ambry Genetics
Classification: Uncertain significance for Hereditary cancer-predisposing syndrome. Last evaluated: 2026-01-22. Review status: criteria provided, single submitter. Criteria: Ambry Variant Classification Scheme 2023. Collection method: clinical testing. Allele origin: germline.
Comment: The p.D2733V variant (also known as c.8198A>T), located in coding exon 17 of the BRCA2 gene, results from an A to T substitution at nucleotide position 8198. The aspartic acid at codon 2733 is replaced by valine, an amino acid with highly dissimilar properties. Two saturation genome editing-based studies, including a haploid cell-survival assay and a humanized mouse embryonic stem cell line assay of drug response and survival, demonstrate that this nucleotide substitution is non-functional(Huang H et al. Nature. 2025 Feb;638(8050):528-537; Sahu S et al. Nature. 2025 Feb;638(8050):538-545). A homology-directed repair assay demonstrated that this variant is functionally indeterminate and may be hypomorphic (Ambry internal data). This amino acid position is highly conserved in available vertebrate species. In addition, this alteration is predicted to be deleterious by in silico analysis. Based on the available evidence, the clinical significance of this variant remains unclear.

Center for Genomic Medicine, Rigshospitalet, Copenhagen University Hospital
Classification: Likely pathogenic. Last evaluated: 2025-12-29. Review status: criteria provided, single submitter. Criteria: ACMG Guidelines, 2015. Collection method: clinical testing. Allele origin: germline.
Comment: Classification criteria: PS3, PP3, PM2_supporting

Department of Clinical Genetics, Copenhagen University Hospital, Rigshospitalet
Classification: Likely pathogenic for Familial cancer of breast. Last evaluated: 2025-07-15. Review status: criteria provided, single submitter. Criteria: ACMG Guidelines, 2015. Collection method: clinical testing. Allele origin: germline.
Comment: The following ACMG criteria has been used: PM2_SUP; PP3; PS3

Labcorp Genetics (formerly Invitae), Labcorp
Classification: Uncertain significance for Hereditary breast ovarian cancer syndrome. Last evaluated: 2024-03-21. Review status: criteria provided, single submitter. Criteria: Invitae Variant Classification Sherloc (09022015). Collection method: clinical testing. Allele origin: germline.
Comment: This sequence change replaces aspartic acid, which is acidic and polar, with valine, which is neutral and non-polar, at codon 2733 of the BRCA2 protein (p.Asp2733Val). This variant is not present in population databases (gnomAD no frequency). This variant has not been reported in the literature in individuals affected with BRCA2-related conditions. Advanced modeling of protein sequence and biophysical properties (such as structural, functional, and spatial information, amino acid conservation, physicochemical variation, residue mobility, and thermodynamic stability) has been performed at Invitae for this missense variant, however the output from this modeling did not meet the statistical confidence thresholds required to predict the impact of this variant on BRCA2 protein function. In summary, the available evidence is currently insufficient to determine the role of this variant in disease. Therefore, it has been classified as a Variant of Uncertain Significance.

Literature cited by the submitters: PubMed 39779848 (cited by 3 submitters); PubMed 39779857 (cited by 3 submitters); PubMed 29884841 (cited by Department of Clinical Genetics, Copenhagen University Hospital, Rigshospitalet).

NM_000059.4(BRCA2):c.8198A>T (p.Asp2733Val)

Gene: BRCA2 (BRCA2 DNA repair associated; plus strand). Cytogenetic location: 13q13.1.
Variant type: single nucleotide variant.
Coding change: c.8198A>T on transcript NM_000059.4 (MANE Select); coding-DNA position 8198, A replaced by T.
Protein change: p.Asp2733Val; replaces aspartic acid 2733 with valine.
Molecular consequence: missense variant. On other transcripts: non-coding transcript variant (1).
Genome position (GRCh38, 1-based): chr13:32,363,400, A>T. VCF-style: chr13-32363400-A-T. GRCh37 (hg19) VCF-style: chr13-32937537-A-T.
Other names: c.8102A>T, p.Asp2701Val (NM_001406719.1); c.8198A>T, p.Asp2733Val (NM_001406720.1); c.3266A>T, p.Asp1089Val (NM_001406721.1); c.1781A>T, p.Asp594Val (NM_001406722.1); short protein forms D1089V, D2701V, D2733V, D594V.
Identifiers: ClinVar variation 3256256 (VCV003256256.7).